The following is an entry in ClinVar:

ClinVar aggregate classification (germline): Uncertain significance (1 of 4 stars; one submission).

Submission:

Ambry Genetics
Classification: Uncertain significance. Last evaluated: 2024-10-11. Review status: criteria provided, single submitter. Criteria: Ambry Variant Classification Scheme 2023. Collection method: clinical testing. Allele origin: germline.
Comment: The p.D2408N variant (also known as c.7222G>A), located in coding exon 26 of the POLQ gene, results from a G to A substitution at nucleotide position 7222. The aspartic acid at codon 2408 is replaced by asparagine, an amino acid with highly similar properties. This amino acid position is conserved. In addition, the in silico prediction for this alteration is inconclusive. Based on the available evidence, the clinical significance of this variant remains unclear.

NM_199420.4(POLQ):c.7222G>A (p.Asp2408Asn)

Gene: POLQ (DNA polymerase theta; minus strand). Cytogenetic location: 3q13.33.
Variant type: single nucleotide variant.
Coding change: c.7222G>A on transcript NM_199420.4 (MANE Select); coding-DNA position 7222, G replaced by A.
Protein change: p.Asp2408Asn; replaces aspartic acid 2408 with asparagine.
Molecular consequence: missense variant.
Genome position (GRCh38, 1-based): chr3:121,449,357, C>T on the plus strand (G>A on the coding strand, the complement: POLQ is on the minus strand). VCF-style: chr3-121449357-C-T. GRCh37 (hg19) VCF-style: chr3-121168204-C-T.
Other names: short protein forms D2408N.
Identifiers: ClinVar variation 3422587 (VCV003422587.1).